The following is an entry in ClinVar:

NM_000057.4(BLM):c.3535del (p.Thr1179fs)

Gene: BLM (BLM RecQ like helicase; plus strand). Cytogenetic location: 15q26.1.
Variant type: Deletion.
Coding change: c.3535del on transcript NM_000057.4 (MANE Select); coding-DNA position 3535, one base deleted (A; older notation c.3535delA).
Protein change: p.Thr1179fs; shifts the reading frame from threonine 1179.
Molecular consequence: frameshift variant. On other transcripts: intron variant (1).
Genome position (GRCh38, 1-based): chr15:90,803,697, A deleted; the last of 3 consecutive A bases (chr15:90,803,695-90,803,697); deleting any one gives the same sequence. VCF-style (leftmost placement, unchanged base first): chr15-90803694-CA-C. GRCh37 (hg19) VCF-style: chr15-91346924-CA-C.
Other names: c.3535delA (NM_000057.4); c.3535del, p.Thr1179fs (NM_001287246.2); c.2410del, p.Thr804fs (NM_001287248.2); c.3358+5360del (NM_001287247.2); short protein forms T804fs, T1179fs.
Identifiers: ClinVar variation 2142715 (VCV002142715.7), dbSNP rs1567062835, ClinGen allele CA914043072.
Genomic context (GRCh38, chr15:90,803,694, plus strand): 5'-GACTTATATATCAATGCCAATGACCAGGCGATCGCTTATGTGATGCTCGGAAATAAAGCC[CA>C]AACTGTACTAAATGGCAATTTAAAGGTATAGTATTTTTCATGTTTATTTTATTATCTCAC-3'

ClinVar aggregate classification (germline): Pathogenic. Review status: criteria provided, multiple submitters, no conflicts (2 of 4 stars). 3 submissions from 3 submitters: Pathogenic (3). Last evaluated 2025-11-24.

Conditions:
Hereditary cancer-predisposing syndrome. Also called: Neoplastic Syndromes, Hereditary; Tumor predisposition; Hereditary neoplastic syndrome; Hereditary Cancer Syndrome. Identifiers: Orphanet 140162, MedGen C0027672, MeSH D009386, MONDO:0015356.
Bloom syndrome (BLM). Also called: Bloom-Torre-Machacek syndrome. Identifiers: Orphanet 125, MedGen C0005859, MONDO:0008876, OMIM 210900.

Submissions (3):

Women's Health and Genetics/Laboratory Corporation of America, LabCorp
Classification: Pathogenic for Bloom syndrome. Last evaluated: 2025-11-24. Review status: criteria provided, single submitter. Criteria: LabCorp Variant Classification Summary - May 2015. Collection method: clinical testing. Allele origin: germline.
Comment: Variant summary: BLM c.3535delA (p.Thr1179LeufsX3) results in a premature termination codon, predicted to cause a truncation of the encoded protein or absence of the protein due to nonsense mediated decay, which are commonly known mechanisms for disease. The variant was absent in 251328 control chromosomes. c.3535delA has been observed in individual(s) affected with Bloom Syndrome (example: Kasap_2022). These data indicate that the variant is associated with disease. To our knowledge, no experimental evidence demonstrating an impact on protein function has been reported. The following publication has been ascertained in the context of this evaluation (PMID: 34538859). ClinVar contains an entry for this variant (Variation ID: 2142715). Based on the evidence outlined above, the variant was classified as pathogenic.

Labcorp Genetics (formerly Invitae), Labcorp
Classification: Pathogenic for Bloom syndrome. Last evaluated: 2023-08-10. Review status: criteria provided, single submitter. Criteria: Invitae Variant Classification Sherloc (09022015). Collection method: clinical testing. Allele origin: germline.
Comment: This variant is not present in population databases (gnomAD no frequency). This sequence change creates a premature translational stop signal (p.Thr1179Leufs*3) in the BLM gene. It is expected to result in an absent or disrupted protein product. Loss-of-function variants in BLM are known to be pathogenic (PMID: 17407155). This premature translational stop signal has been observed in individual(s) with Bloom syndrome (PMID: 34538859). For these reasons, this variant has been classified as Pathogenic. ClinVar contains an entry for this variant (Variation ID: 2142715).

Ambry Genetics
Classification: Pathogenic for Hereditary cancer-predisposing syndrome. Last evaluated: 2023-06-27. Review status: criteria provided, single submitter. Criteria: Ambry Variant Classification Scheme 2023. Collection method: clinical testing. Allele origin: germline.
Comment: The c.3535delA pathogenic mutation, located in coding exon 17 of the BLM gene, results from a deletion of one nucleotide at nucleotide position 3535, causing a translational frameshift with a predicted alternate stop codon (p.T1179Lfs*3). This variant is considered to be rare based on population cohorts in the Genome Aggregation Database (gnomAD). This alteration has been reported in the homozygous state in individuals with Bloom syndrome (Mitrofanova LB et al. Front Endocrinol (Lausanne), 2021 Aug;12:710947; Kasap B et al. Clin Dysmorphol, 2022 Jan;31:31-35). This alteration is expected to result in loss of function by premature protein truncation or nonsense-mediated mRNA decay. As such, this alteration is interpreted as a disease-causing mutation.

Literature cited by the submitters: PubMed 34538859 (cited by 3 submitters); PubMed 17407155 (cited by Labcorp Genetics (formerly Invitae), Labcorp); PubMed 34497584 (cited by Ambry Genetics).